The following is an entry in ClinVar:

NM_002292.4(LAMB2):c.1477del (p.Cys493fs)

Gene: LAMB2 (laminin subunit beta 2; minus strand). Cytogenetic location: 3p21.31.
Variant type: Deletion.
Coding change: c.1477del on transcript NM_002292.4 (MANE Select); coding-DNA position 1477, one base deleted (T; older notation c.1477delT).
Protein change: p.Cys493fs; shifts the reading frame from cysteine 493.
Molecular consequence: frameshift variant.
Genome position (GRCh38, 1-based): chr3:49,129,645, A deleted on the plus strand (T on the coding strand, the reverse complement: LAMB2 is on the minus strand). VCF-style (leftmost placement, unchanged base first): chr3-49129644-CA-C. GRCh37 (hg19) VCF-style: chr3-49167077-CA-C.
Other names: c.1477delT (NM_002292.3); short protein forms C493fs.
Identifiers: ClinVar variation 848378 (VCV000848378.12), dbSNP rs969481454, ClinGen allele CA74486522.

ClinVar aggregate classification (germline): Pathogenic. Review status: criteria provided, multiple submitters, no conflicts (2 of 4 stars). 4 submissions from 4 submitters: Pathogenic (4). Last evaluated 2026-01-29.

Conditions:
Pierson syndrome. Also called: MICROCORIA-CONGENITAL NEPHROTIC SYNDROME. Identifiers: Orphanet 2670, MedGen C1836876, MONDO:0012184, OMIM 609049.
LAMB2-related infantile-onset nephrotic syndrome. Also called: NEPHROTIC SYNDROME, TYPE 5, WITHOUT OCULAR ABNORMALITIES; NEPHROTIC SYNDROME, TYPE 5, WITH OCULAR ABNORMALITIES; Nephrotic Syndrome, type 5. Identifiers: Orphanet 306507, MedGen C3280113, MONDO:0013621, OMIM 614199.
LAMB2-related disorder. Also called: LAMB2-related condition.

Allele frequency attached by ClinVar (database versions not stated): TOPMed 0.00001; gnomAD 0.00002 and 0.00003; gnomAD exomes 0.00002 and 0.00006.

Submissions (4):

PreventionGenetics, part of Exact Sciences
Classification: Pathogenic for LAMB2-related condition. Last evaluated: 2026-01-29. Review status: criteria provided, single submitter. Criteria: ACMG Guidelines, 2015. Collection method: clinical testing. Allele origin: germline.
Comment: The LAMB2 c.1477delT variant is predicted to result in a frameshift and premature protein termination (p.Cys493Alafs*4). This variant has been reported in individuals with Pierson syndrome (see for example, Table 2, Wuhl et al. 2007. PubMed ID: 17256789; Figure 1, Beaufils et al. 2017. PubMed ID: 29051055). This variant is reported in 0.0054% of alleles in individuals of European (Non-Finnish) descent in gnomAD. Frameshift variants in LAMB2 are expected to be pathogenic. This variant is interpreted as pathogenic.

Labcorp Genetics (formerly Invitae), Labcorp
Classification: Pathogenic for LAMB2-related infantile-onset nephrotic syndrome; Pierson syndrome. Last evaluated: 2025-10-02. Review status: criteria provided, single submitter. Criteria: Invitae Variant Classification Sherloc (09022015). Collection method: clinical testing. Allele origin: germline.
Comment: This sequence change creates a premature translational stop signal (p.Cys493Alafs*4) in the LAMB2 gene. It is expected to result in an absent or disrupted protein product. Loss-of-function variants in LAMB2 are known to be pathogenic (PMID: 15367484). This variant is present in population databases (no rsID available, gnomAD 0.005%). This premature translational stop signal has been observed in individual(s) with Pierson syndrome or congenital nephrotic syndrome (PMID: 17256789, 28780565). In at least one individual the data is consistent with being in trans (on the opposite chromosome) from a pathogenic variant. ClinVar contains an entry for this variant (Variation ID: 848378). For these reasons, this variant has been classified as Pathogenic.

Fulgent Genetics
Classification: Pathogenic for Pierson syndrome; LAMB2-related infantile-onset nephrotic syndrome. Last evaluated: 2024-01-14. Review status: criteria provided, single submitter. Criteria: ACMG Guidelines, 2015. Collection method: clinical testing. Allele origin: germline.

GeneDx
Classification: Pathogenic. Last evaluated: 2023-12-16. Review status: criteria provided, single submitter. Criteria: GeneDx Variant Classification Process June 2021. Collection method: clinical testing. Allele origin: germline. Affected: yes.
Comment: Frameshift variant predicted to result in protein truncation or nonsense mediated decay in a gene for which loss-of-function is a known mechanism of disease; This variant is associated with the following publications: (PMID: 28780565, 17256789, 20556798, 18672223, 29051055, 31980526)

Literature cited by the submitters: PubMed 15367484 (cited by Labcorp Genetics (formerly Invitae), Labcorp); PubMed 17256789 (cited by Labcorp Genetics (formerly Invitae), Labcorp); PubMed 28780565 (cited by Labcorp Genetics (formerly Invitae), Labcorp).